The following is an entry in ClinVar:

NM_025114.4(CEP290):c.3032A>G (p.Asn1011Ser)

Gene: CEP290 (centrosomal protein 290; minus strand). Cytogenetic location: 12q21.32.
Variant type: single nucleotide variant.
Coding change: c.3032A>G on transcript NM_025114.4 (MANE Select); coding-DNA position 3032, A replaced by G.
Protein change: p.Asn1011Ser; replaces asparagine 1011 with serine.
Molecular consequence: missense variant.
Genome position (GRCh38, 1-based): chr12:88,096,959, T>C on the plus strand (A>G on the coding strand, the complement: CEP290 is on the minus strand). VCF-style: chr12-88096959-T-C. GRCh37 (hg19) VCF-style: chr12-88490736-T-C.
Other names: short protein forms N1011S.
Identifiers: ClinVar variation 3748908 (VCV003748908.2).

ClinVar aggregate classification (germline): Uncertain significance (1 of 4 stars; one submission).

Conditions:
Joubert syndrome. Also called: CEREBELLOPARENCHYMAL DISORDER IV; JOUBERT-BOLTSHAUSER SYNDROME; Familial aplasia of the vermis. Identifiers: Orphanet 475, MedGen C5979921, MONDO:0018772.
Nephronophthisis. Also called: Juvenile Nephronophthisis. Identifiers: Orphanet 655, MedGen C0687120, MONDO:0019005, HP:0000090.
Meckel-Gruber syndrome. Also called: DYSENCEPHALIA SPLANCHNOCYSTICA; GRUBER SYNDROME; Dysencephalia splachnocystica. Identifiers: Orphanet 564, MedGen C0265215, MONDO:0018921.

Submission:

Labcorp Genetics (formerly Invitae), Labcorp
Classification: Uncertain significance for Joubert syndrome; Meckel-Gruber syndrome; Nephronophthisis. Last evaluated: 2024-10-30. Review status: criteria provided, single submitter. Criteria: Invitae Variant Classification Sherloc (09022015). Collection method: clinical testing. Allele origin: germline.
Comment: This sequence change replaces asparagine, which is neutral and polar, with serine, which is neutral and polar, at codon 1011 of the CEP290 protein (p.Asn1011Ser). This variant is not present in population databases (gnomAD no frequency). This variant has not been reported in the literature in individuals affected with CEP290-related conditions. Invitae Evidence Modeling of protein sequence and biophysical properties (such as structural, functional, and spatial information, amino acid conservation, physicochemical variation, residue mobility, and thermodynamic stability) indicates that this missense variant is not expected to disrupt CEP290 protein function with a negative predictive value of 80%. In summary, the available evidence is currently insufficient to determine the role of this variant in disease. Therefore, it has been classified as a Variant of Uncertain Significance.